The following is an entry in ClinVar:

NM_000377.3(WAS):c.1053A>C (p.Pro351=)

Gene: WAS (WASP actin nucleation promoting factor; plus strand). Cytogenetic location: Xp11.23.
Variant type: single nucleotide variant.
Coding change: c.1053A>C on transcript NM_000377.3 (MANE Select); coding-DNA position 1053, A replaced by C.
Protein change: p.Pro351=; no amino-acid change (proline 351 retained).
Molecular consequence: synonymous variant.
Genome position (GRCh38, 1-based): chrX:48,688,781, A>C. VCF-style: chrX-48688781-A-C. GRCh37 (hg19) VCF-style: chrX-48547170-A-C.
Identifiers: ClinVar variation 2942263 (VCV002942263.18), dbSNP rs1602179303, ClinGen allele CA516356338.

ClinVar aggregate classification (germline): Likely benign. Review status: criteria provided, multiple submitters, no conflicts (2 of 4 stars). 3 submissions from 3 submitters: Likely benign (3). Last evaluated 2024-11-01.

Conditions:
Thrombocytopenia 1. Also called: X-linked thrombocytopenia with normal platelets; THROMBOCYTOPENIA, X-LINKED, 1; X-Linked Thrombocytopenia (XLT). Identifiers: Orphanet 268322, Orphanet 852, MedGen C1839163, MONDO:0010743, OMIM 313900.
Wiskott-Aldrich syndrome (WAS). Also called: ALDRICH SYNDROME; IMMUNODEFICIENCY 2; WISKOTT-ALDRICH SYNDROME 1; Wiskott-aldrich syndrome, somatic. Identifiers: Orphanet 906, MedGen C0043194, MONDO:0010518, OMIM 301000.
X-linked severe congenital neutropenia (SCNX). Identifiers: Orphanet 86788, MedGen C1845987, MONDO:0010294, OMIM 300299.

Submissions (3):

CeGaT Center for Human Genetics Tuebingen
Classification: Likely benign. Last evaluated: 2024-11-01. Review status: criteria provided, single submitter. Criteria: CeGaT Center For Human Genetics Tuebingen Variant Classification Criteria Version 2. Collection method: clinical testing. Allele origin: germline. Affected: yes. Observed: 1 variant allele.
Comment: WAS: BP4, BP7

Labcorp Genetics (formerly Invitae), Labcorp
Classification: Likely benign for Wiskott-Aldrich syndrome; X-linked severe congenital neutropenia; Thrombocytopenia 1. Last evaluated: 2023-12-13. Review status: criteria provided, single submitter. Criteria: Invitae Variant Classification Sherloc (09022015). Collection method: clinical testing. Allele origin: germline.

Blueprint Genetics
Classification: Likely benign. Last evaluated: 2023-11-15. Review status: criteria provided, single submitter. Criteria: ACMG Guidelines, 2015. Collection method: clinical testing. Allele origin: germline.